The following is an entry in ClinVar:

ClinVar aggregate classification (germline): Uncertain significance (1 of 4 stars; one submission).

Allele frequency attached by ClinVar (database versions not stated): TOPMed below 0.00001; gnomAD exomes 0.00001 and 0.00005.
gnomAD v4.1: 73 of 1,614,190 alleles (0.0045%); highest among the groups gnomAD compares: Non-Finnish European, 0.0061%; no homozygotes.

Submission:

Labcorp Genetics (formerly Invitae), Labcorp
Classification: Uncertain significance. Last evaluated: 2024-11-11. Review status: criteria provided, single submitter. Criteria: Invitae Variant Classification Sherloc (09022015). Collection method: clinical testing. Allele origin: germline.
Comment: This sequence change replaces glutamine, which is neutral and polar, with lysine, which is basic and polar, at codon 68 of the PCARE protein (p.Gln68Lys). This variant is present in population databases (no rsID available, gnomAD 0.002%). This variant has not been reported in the literature in individuals affected with PCARE-related conditions. ClinVar contains an entry for this variant (Variation ID: 1011678). An algorithm developed to predict the effect of missense changes on protein structure and function (PolyPhen-2) suggests that this variant is likely to be disruptive. In summary, the available evidence is currently insufficient to determine the role of this variant in disease. Therefore, it has been classified as a Variant of Uncertain Significance.

NM_001029883.3(PCARE):c.202C>A (p.Gln68Lys)

Gene: PCARE (photoreceptor cilium actin regulator; minus strand). Cytogenetic location: 2p23.2.
Variant type: single nucleotide variant.
Coding change: c.202C>A on transcript NM_001029883.3 (MANE Select); coding-DNA position 202, C replaced by A.
Protein change: p.Gln68Lys; replaces glutamine 68 with lysine.
Molecular consequence: missense variant.
Genome position (GRCh38, 1-based): chr2:29,074,060, G>T on the plus strand (C>A on the coding strand, the complement: PCARE is on the minus strand). VCF-style: chr2-29074060-G-T. GRCh37 (hg19) VCF-style: chr2-29296926-G-T.
Other names: short protein forms Q68K.
Identifiers: ClinVar variation 1011678 (VCV001011678.6), dbSNP rs1278804220, ClinGen allele CA346482820.